The following is an entry in ClinVar:

NM_000137.4(FAH):c.1078G>A (p.Gly360Ser)

Gene: FAH (fumarylacetoacetate hydrolase; plus strand). Cytogenetic location: 15q25.1.
Variant type: single nucleotide variant.
Coding change: c.1078G>A on transcript NM_000137.4 (MANE Select); coding-DNA position 1078, G replaced by A.
Protein change: p.Gly360Ser; replaces glycine 360 with serine.
Molecular consequence: missense variant.
Genome position (GRCh38, 1-based): chr15:80,181,057, G>A. VCF-style: chr15-80181057-G-A. GRCh37 (hg19) VCF-style: chr15-80473399-G-A.
Other names: c.1078G>A, p.Gly360Ser (NM_001374377.1, NM_001374380.1); short protein forms G360S.
Identifiers: ClinVar variation 1426601 (VCV001426601.5), dbSNP rs779705179, ClinGen allele CA7691482.

ClinVar aggregate classification (germline): Uncertain significance (1 of 4 stars; one submission).

Conditions:
Tyrosinemia type I (TYRSN1). Also called: Tyrosinemia type 1; Fumarylacetoacetase deficiency; Deficiency of fumarylacetoacetase; HEPATORENAL TYROSINEMIA; FAH DEFICIENCY. Identifiers: Orphanet 882, MedGen C0268490, MONDO:0010161, OMIM 276700. Disease mechanism: loss of function.

Allele frequency attached by ClinVar (database versions not stated): gnomAD exomes below 0.00001; ExAC 0.00001; gnomAD 0.00001; TOPMed 0.00001.

Submission:

Labcorp Genetics (formerly Invitae), Labcorp
Classification: Uncertain significance for Tyrosinemia type I. Last evaluated: 2021-08-26. Review status: criteria provided, single submitter. Criteria: Invitae Variant Classification Sherloc (09022015). Collection method: clinical testing. Allele origin: germline.
Comment: This sequence change replaces glycine with serine at codon 360 of the FAH protein (p.Gly360Ser). The glycine residue is highly conserved and there is a small physicochemical difference between glycine and serine. This variant is present in population databases (rs779705179, ExAC 0.001%). This variant has not been reported in the literature in individuals affected with FAH-related conditions. Advanced modeling of protein sequence and biophysical properties (such as structural, functional, and spatial information, amino acid conservation, physicochemical variation, residue mobility, and thermodynamic stability) performed at Invitae indicates that this missense variant is expected to disrupt FAH protein function. In summary, the available evidence is currently insufficient to determine the role of this variant in disease. Therefore, it has been classified as a Variant of Uncertain Significance.